The following is an entry in ClinVar:

ClinVar aggregate classification (germline): Likely benign (1 of 4 stars; one submission).

Submission:

CeGaT Center for Human Genetics Tuebingen
Classification: Likely benign. Last evaluated: 2026-01-01. Review status: criteria provided, single submitter. Criteria: CeGaT Center For Human Genetics Tuebingen Variant Classification Criteria Version 2. Collection method: clinical testing. Allele origin: germline. Affected: yes. Observed: 2 variant alleles.
Comment: MUC22: BP4, BP7

NM_001395414.1(MUC22):c.1824C>G (p.Ala608=)

Gene: MUC22 (mucin 22; plus strand). Cytogenetic location: 6p21.33.
Variant type: single nucleotide variant.
Coding change: c.1824C>G on transcript NM_001395414.1 (MANE Select); coding-DNA position 1824, C replaced by G.
Protein change: p.Ala608=; no amino-acid change (alanine 608 retained).
Molecular consequence: synonymous variant.
Genome position (GRCh38, 1-based): chr6:31,027,255, C>G. VCF-style: chr6-31027255-C-G. GRCh37 (hg19) VCF-style: chr6-30995032-C-G.
Other names: c.1824C>G, p.Ala608= (NM_001198815.1); c.1833C>G, p.Ala611= (NM_001318484.1, NM_001322469.1).
Identifiers: ClinVar variation 2656386 (VCV002656386.24), dbSNP rs879124957, ClinGen allele CA449784040.